The following is an entry in ClinVar:

ClinVar aggregate classification (germline): Uncertain significance (1 of 4 stars; one submission).

Conditions:
Landau-Kleffner syndrome (FESD). Also called: EPILEPSY, FOCAL, WITH SPEECH DISORDER AND WITH OR WITHOUT MENTAL RETARDATION; APHASIA, ACQUIRED, WITH EPILEPSY. Identifiers: Orphanet 1945, Orphanet 725, Orphanet 98818, MedGen C0282512, MONDO:0009509, OMIM 245570.

gnomAD v4.1: 1 of 1,614,032 alleles (0.000062%); highest among the groups gnomAD compares: Non-Finnish European, 0.000085%; no homozygotes.

Submission:

Labcorp Genetics (formerly Invitae), Labcorp
Classification: Uncertain significance for Landau-Kleffner syndrome. Last evaluated: 2024-05-20. Review status: criteria provided, single submitter. Criteria: Invitae Variant Classification Sherloc (09022015). Collection method: clinical testing. Allele origin: germline.
Comment: This sequence change replaces arginine, which is basic and polar, with methionine, which is neutral and non-polar, at codon 293 of the GRIN2A protein (p.Arg293Met). This variant is not present in population databases (gnomAD no frequency). This variant has not been reported in the literature in individuals affected with GRIN2A-related conditions. Advanced modeling of protein sequence and biophysical properties (such as structural, functional, and spatial information, amino acid conservation, physicochemical variation, residue mobility, and thermodynamic stability) performed at Invitae indicates that this missense variant is expected to disrupt GRIN2A protein function with a positive predictive value of 80%. In summary, the available evidence is currently insufficient to determine the role of this variant in disease. Therefore, it has been classified as a Variant of Uncertain Significance.

NM_001134407.3(GRIN2A):c.878G>T (p.Arg293Met)

Gene: GRIN2A (glutamate ionotropic receptor NMDA type subunit 2A; minus strand). Cytogenetic location: 16p13.2.
Variant type: single nucleotide variant.
Coding change: c.878G>T on transcript NM_001134407.3 (MANE Select); coding-DNA position 878, G replaced by T.
Protein change: p.Arg293Met; replaces arginine 293 with methionine.
Molecular consequence: missense variant.
Genome position (GRCh38, 1-based): chr16:9,938,088, C>A on the plus strand (G>T on the coding strand, the complement: GRIN2A is on the minus strand). VCF-style: chr16-9938088-C-A. GRCh37 (hg19) VCF-style: chr16-10031945-C-A.
Other names: c.878G>T, p.Arg293Met (NM_000833.5, NM_001134408.2); short protein forms R293M.
Identifiers: ClinVar variation 3667254 (VCV003667254.2).
Genomic context (GRCh38, chr16:9,938,088, plus strand): 5'-ATGTAGGAGAACTTCTCCAGCATAGAAGATGCAGCGGTGGTTAGGATGCCAATGCCGTCC[C>A]TCACTCTCGCCTCCAGGCTGTAGTCCCAGTCATCGTAGGAGACAGAAATGAGTCCCGATG-3'
Protein context (NP_001127879.1, residues 283-303): DWDYSLEARV[Arg293Met]DGIGILTTAA